The following is an entry in ClinVar:

NM_005993.5(TBCD):c.1101C>T (p.Val367=)

Gene: TBCD (tubulin folding cofactor D). Cytogenetic location: 17q25.3.
Variant type: single nucleotide variant.
Coding change: c.1101C>T on transcript NM_005993.5 (MANE Select); coding-DNA position 1101, C replaced by T.
Protein change: p.Val367=; no amino-acid change (valine 367 retained).
Molecular consequence: synonymous variant.
Genome position (GRCh38, 1-based): chr17:82,807,621, C>T. VCF-style: chr17-82807621-C-T. GRCh37 (hg19) VCF-style: chr17-80765497-C-T.
Other names: c.1050C>T, p.Val350= (NM_001411101.1); c.1101C>T, p.Val367= (NM_001411102.1).
Identifiers: ClinVar variation 2980186 (VCV002980186.5), dbSNP rs775961084, ClinGen allele CA502579047.

ClinVar aggregate classification (germline): Likely benign. Review status: criteria provided, multiple submitters, no conflicts (2 of 4 stars). 2 submissions from 2 submitters: Likely benign (2). Last evaluated 2026-06-01.

gnomAD v4.1: 22 of 1,544,710 alleles (0.0014%); highest among the groups gnomAD compares: South Asian, 0.0062%; no homozygotes.

Submissions (2):

CeGaT Center for Human Genetics Tuebingen
Classification: Likely benign. Last evaluated: 2026-06-01. Review status: criteria provided, single submitter. Criteria: CeGaT Center For Human Genetics Tuebingen Variant Classification Criteria Version 2. Collection method: clinical testing. Allele origin: germline. Affected: yes. Observed: 1 variant allele.
Comment: TBCD: BP4, BP7

Labcorp Genetics (formerly Invitae), Labcorp
Classification: Likely benign. Last evaluated: 2024-01-19. Review status: criteria provided, single submitter. Criteria: Invitae Variant Classification Sherloc (09022015). Collection method: clinical testing. Allele origin: germline.